The following is an entry in ClinVar:

ClinVar aggregate classification (germline): Uncertain significance (1 of 4 stars; one submission).

Conditions:
Hypertrophic cardiomyopathy. Also called: HYPERTROPHIC MYOCARDIOPATHY. Identifiers: Orphanet 217569, MedGen C0007194, MeSH D002312, MONDO:0005045, HP:0001639.

Allele frequency attached by ClinVar (database versions not stated): gnomAD exomes 0.00001; gnomAD 0.00002; TOPMed 0.00002; ESP Exome Variant Server 0.00008.
gnomAD v4.1: 36 of 1,613,802 alleles (0.0022%); highest among the groups gnomAD compares: Non-Finnish European, 0.003%; no homozygotes.

Submission:

Labcorp Genetics (formerly Invitae), Labcorp
Classification: Uncertain significance for Hypertrophic cardiomyopathy. Last evaluated: 2025-10-25. Review status: criteria provided, single submitter. Criteria: Invitae Variant Classification Sherloc (09022015). Collection method: clinical testing. Allele origin: germline.
Comment: This sequence change replaces isoleucine, which is neutral and non-polar, with threonine, which is neutral and polar, at codon 626 of the MYOM1 protein (p.Ile626Thr). This variant is present in population databases (rs373827799, gnomAD 0.002%). This variant has not been reported in the literature in individuals affected with MYOM1-related conditions. ClinVar contains an entry for this variant (Variation ID: 863386). Invitae Evidence Modeling of protein sequence and biophysical properties (such as structural, functional, and spatial information, amino acid conservation, physicochemical variation, residue mobility, and thermodynamic stability) has been performed for this missense variant. However, the output from this modeling did not meet the statistical confidence thresholds required to predict the impact of this variant on MYOM1 protein function. In summary, the available evidence is currently insufficient to determine the role of this variant in disease. Therefore, it has been classified as a Variant of Uncertain Significance.

NM_003803.4(MYOM1):c.1877T>C (p.Ile626Thr)

Gene: MYOM1 (myomesin 1; minus strand). Cytogenetic location: 18p11.31.
Variant type: single nucleotide variant.
Coding change: c.1877T>C on transcript NM_003803.4 (MANE Select); coding-DNA position 1877, T replaced by C.
Protein change: p.Ile626Thr; replaces isoleucine 626 with threonine.
Molecular consequence: missense variant.
Genome position (GRCh38, 1-based): chr18:3,149,168, A>G on the plus strand (T>C on the coding strand, the complement: MYOM1 is on the minus strand). VCF-style: chr18-3149168-A-G. GRCh37 (hg19) VCF-style: chr18-3149166-A-G.
Other names: c.1877T>C, p.Ile626Thr (NM_019856.2); short protein forms I626T.
Identifiers: ClinVar variation 863386 (VCV000863386.9), dbSNP rs373827799, ClinGen allele CA295529155.